The following is an entry in ClinVar:

ClinVar aggregate classification (germline): Benign (1 of 4 stars; one submission).

gnomAD v4.1: 1,235 of 1,613,444 alleles (0.077%); highest among the groups gnomAD compares: South Asian, 1%; 14 homozygotes.

Submission:

CeGaT Center for Human Genetics Tuebingen
Classification: Benign. Last evaluated: 2024-08-01. Review status: criteria provided, single submitter. Criteria: CeGaT Center For Human Genetics Tuebingen Variant Classification Criteria Version 2. Collection method: clinical testing. Allele origin: germline. Affected: yes. Observed: 1 variant allele.
Comment: NCAPD2: BP4, BP7, BS1, BS2

NM_014865.4(NCAPD2):c.2283C>T (p.Thr761=)

Gene: NCAPD2 (non-SMC condensin I complex subunit D2; plus strand). Cytogenetic location: 12p13.31.
Variant type: single nucleotide variant.
Coding change: c.2283C>T on transcript NM_014865.4 (MANE Select); coding-DNA position 2283, C replaced by T.
Protein change: p.Thr761=; no amino-acid change (threonine 761 retained).
Molecular consequence: synonymous variant.
Genome position (GRCh38, 1-based): chr12:6,525,651, C>T. VCF-style: chr12-6525651-C-T. GRCh37 (hg19) VCF-style: chr12-6634817-C-T.
Identifiers: ClinVar variation 3341600 (VCV003341600.16).